The following is an entry in ClinVar:

NM_016599.5(MYOZ2):c.488T>G (p.Leu163Ter)

Gene: MYOZ2 (myozenin 2; plus strand). Cytogenetic location: 4q26.
Variant type: single nucleotide variant.
Coding change: c.488T>G on transcript NM_016599.5 (MANE Select); coding-DNA position 488, T replaced by G.
Protein change: p.Leu163Ter; replaces leucine 163 with a stop codon.
Molecular consequence: nonsense.
Genome position (GRCh38, 1-based): chr4:119,164,322, T>G. VCF-style: chr4-119164322-T-G. GRCh37 (hg19) VCF-style: chr4-120085477-T-G.
Other names: short protein forms L163*.
Identifiers: ClinVar variation 3706801 (VCV003706801.2).

ClinVar aggregate classification (germline): Uncertain significance (1 of 4 stars; one submission).

Conditions:
Hypertrophic cardiomyopathy. Also called: HYPERTROPHIC MYOCARDIOPATHY. Identifiers: Orphanet 217569, MedGen C0007194, MeSH D002312, MONDO:0005045, HP:0001639.

gnomAD v4.1: 4 of 1,614,154 alleles (0.00025%); highest among the groups gnomAD compares: South Asian, 0.0044%; no homozygotes.

Submission:

Labcorp Genetics (formerly Invitae), Labcorp
Classification: Uncertain significance for Hypertrophic cardiomyopathy. Last evaluated: 2025-01-06. Review status: criteria provided, single submitter. Criteria: Invitae Variant Classification Sherloc (09022015). Collection method: clinical testing. Allele origin: germline.
Comment: This sequence change creates a premature translational stop signal (p.Leu163*) in the MYOZ2 gene. It is expected to result in an absent or disrupted protein product. However, the current clinical and genetic evidence is not sufficient to establish whether loss-of-function variants in MYOZ2 cause disease. This variant is not present in population databases (gnomAD no frequency). This variant has not been reported in the literature in individuals affected with MYOZ2-related conditions. In summary, the available evidence is currently insufficient to determine the role of this variant in disease. Therefore, it has been classified as a Variant of Uncertain Significance.